The following is an entry in ClinVar:

ClinVar aggregate classification (germline): Uncertain significance (1 of 4 stars; one submission).

Conditions:
Immunodeficiency 14 (IMD14A). Also called: Activated PI3K Delta Syndrome Type 1 (APDS1); p110-DELTA-ACTIVATING MUTATION CAUSING SENESCENT T CELLS, LYMPHADENOPATHY, AND IMMUNODEFICIENCY; IMMUNODEFICIENCY 14A WITH LYMPHOPROLIFERATION, AUTOSOMAL DOMINANT; ACTIVATED PI3K-DELTA SYNDROME 1. Identifiers: Orphanet 397596, Orphanet 693661, MedGen C5907821, MONDO:0014222, OMIM 615513.

Allele frequency attached by ClinVar (database versions not stated): TOPMed below 0.00001.
gnomAD v4.1: 1 of 1,563,984 alleles (0.000064%); highest among the groups gnomAD compares: Admixed American, 0.0019%; no homozygotes.

Submission:

Labcorp Genetics (formerly Invitae), Labcorp
Classification: Uncertain significance for Activated PI3K-delta syndrome. Last evaluated: 2024-09-24. Review status: criteria provided, single submitter. Criteria: Invitae Variant Classification Sherloc (09022015). Collection method: clinical testing. Allele origin: germline.
Comment: This sequence change replaces tyrosine, which is neutral and polar, with phenylalanine, which is neutral and non-polar, at codon 254 of the PIK3CD protein (p.Tyr254Phe). This variant is not present in population databases (gnomAD no frequency). This variant has not been reported in the literature in individuals affected with PIK3CD-related conditions. ClinVar contains an entry for this variant (Variation ID: 1959721). Invitae Evidence Modeling of protein sequence and biophysical properties (such as structural, functional, and spatial information, amino acid conservation, physicochemical variation, residue mobility, and thermodynamic stability) indicates that this missense variant is not expected to disrupt PIK3CD protein function with a negative predictive value of 80%. In summary, the available evidence is currently insufficient to determine the role of this variant in disease. Therefore, it has been classified as a Variant of Uncertain Significance.

NM_005026.5(PIK3CD):c.761A>T (p.Tyr254Phe)

Gene: PIK3CD (phosphatidylinositol-4,5-bisphosphate 3-kinase catalytic subunit delta; plus strand). Cytogenetic location: 1p36.22.
Variant type: single nucleotide variant.
Coding change: c.761A>T on transcript NM_005026.5 (MANE Select); coding-DNA position 761, A replaced by T.
Protein change: p.Tyr254Phe; replaces tyrosine 254 with phenylalanine.
Molecular consequence: missense variant.
Genome position (GRCh38, 1-based): chr1:9,716,600, A>T. VCF-style: chr1-9716600-A-T. GRCh37 (hg19) VCF-style: chr1-9776658-A-T.
Other names: c.761A>T, p.Tyr254Phe (NM_001350234.2, NM_001350235.1); short protein forms Y254F.
Identifiers: ClinVar variation 1959721 (VCV001959721.5), dbSNP rs748470223, ClinGen allele CA576965.